The following is an entry in ClinVar:

ClinVar aggregate classification (germline): Likely pathogenic (1 of 4 stars; one submission).

Conditions:
Thrombophilia, X-linked, due to factor 9 defect. Identifiers: MedGen C2749016, MONDO:0010432, OMIM 300807.
Hereditary factor IX deficiency disease (HEMB). Also called: F9 DEFICIENCY; FACTOR IX DEFICIENCY; PLASMA THROMBOPLASTIN COMPONENT DEFICIENCY; Hemophilia B; Christmas Disease. Identifiers: Orphanet 98879, MedGen C0008533, MeSH D002836, MONDO:0010604, OMIM 306900.

Submission:

Labcorp Genetics (formerly Invitae), Labcorp
Classification: Likely pathogenic for Thrombophilia, X-linked, due to factor 9 defect; Hereditary factor IX deficiency disease. Last evaluated: 2023-06-28. Review status: criteria provided, single submitter. Criteria: Invitae Variant Classification Sherloc (09022015). Collection method: clinical testing. Allele origin: germline.
Comment: In summary, the currently available evidence indicates that the variant is pathogenic, but additional data are needed to prove that conclusively. Therefore, this variant has been classified as Likely Pathogenic. This variant disrupts the p.Cys407 amino acid residue in F9. Other variant(s) that disrupt this residue have been observed in individuals with F9-related conditions (PMID: 7937052, 8594556, 10874302), which suggests that this may be a clinically significant amino acid residue. Advanced modeling of protein sequence and biophysical properties (such as structural, functional, and spatial information, amino acid conservation, physicochemical variation, residue mobility, and thermodynamic stability) has been performed at Invitae for this missense variant, however the output from this modeling did not meet the statistical confidence thresholds required to predict the impact of this variant on F9 protein function. This variant is also known as p.C361S. This missense change has been observed in individuals with hemophilia B (PMID: 7937052, 8680410, 8825645, 19699296). This variant is not present in population databases (gnomAD no frequency). This sequence change replaces cysteine, which is neutral and slightly polar, with serine, which is neutral and polar, at codon 407 of the F9 protein (p.Cys407Ser).

Literature cited by the submitters: PubMed 7937052; PubMed 8594556; PubMed 10874302; PubMed 8680410; PubMed 8825645; PubMed 19699296.

NM_000133.4(F9):c.1219T>A (p.Cys407Ser)

Gene: F9 (coagulation factor IX; plus strand). Cytogenetic location: Xq27.1.
Variant type: single nucleotide variant.
Coding change: c.1219T>A on transcript NM_000133.4 (MANE Select); coding-DNA position 1219, T replaced by A.
Protein change: p.Cys407Ser; replaces cysteine 407 with serine.
Molecular consequence: missense variant.
Genome position (GRCh38, 1-based): chrX:139,561,904, T>A. VCF-style: chrX-139561904-T-A. GRCh37 (hg19) VCF-style: chrX-138644063-T-A.
Other names: c.1105T>A, p.Cys369Ser (NM_001313913.2); short protein forms C407S, C369S.
Identifiers: ClinVar variation 2925700 (VCV002925700.3), dbSNP rs1465724732, ClinGen allele CA414446567.